The following is an entry in ClinVar:

NM_004963.4(GUCY2C):c.1764G>A (p.Glu588=)

Gene: GUCY2C (guanylate cyclase 2C; minus strand). Cytogenetic location: 12p12.3.
Variant type: single nucleotide variant.
Coding change: c.1764G>A on transcript NM_004963.4 (MANE Select); coding-DNA position 1764, G replaced by A.
Protein change: p.Glu588=; no amino-acid change (glutamic acid 588 retained).
Molecular consequence: synonymous variant.
Genome position (GRCh38, 1-based): chr12:14,645,262, C>T on the plus strand (G>A on the coding strand, the complement: GUCY2C is on the minus strand). VCF-style: chr12-14645262-C-T. GRCh37 (hg19) VCF-style: chr12-14798196-C-T.
Identifiers: ClinVar variation 711571 (VCV000711571.12), dbSNP rs61737741, ClinGen allele CA6463296.

ClinVar aggregate classification (germline): Benign/Likely benign. Review status: criteria provided, multiple submitters, no conflicts (2 of 4 stars). 3 submissions from 3 submitters: Benign (1); Likely benign (1). 1 of the submissions does not count toward it. Last evaluated 2026-01-18.

Conditions:
GUCY2C-related disorder. Also called: GUCY2C-related condition.

Allele frequency attached by ClinVar (database versions not stated): gnomAD exomes 0.00009 and 0.00026; ExAC 0.00029; 1000 Genomes Project 30x 0.00094; gnomAD 0.00098 and 0.00105; 1000 Genomes Project 0.00100; TOPMed 0.00114; ESP Exome Variant Server 0.00131.
gnomAD v4.1: 285 of 1,594,358 alleles (0.018%); highest among the groups gnomAD compares: African/African-American, 0.36%; 2 homozygotes.

Submissions (3):

Labcorp Genetics (formerly Invitae), Labcorp
Classification: Benign. Last evaluated: 2026-01-18. Review status: criteria provided, single submitter. Criteria: Invitae Variant Classification Sherloc (09022015). Collection method: clinical testing. Allele origin: germline.

Blueprint Genetics
Classification: Likely benign. Last evaluated: 2023-03-15. Review status: criteria provided, single submitter. Criteria: ACMG Guidelines, 2015. Collection method: clinical testing. Allele origin: germline.

PreventionGenetics, part of Exact Sciences
Classification: Likely benign for GUCY2C-related condition. Last evaluated: 2020-02-04. Review status: no assertion criteria provided. Collection method: clinical testing. Allele origin: germline. Not counted in ClinVar's aggregate classification.
Comment: This variant is classified as likely benign based on ACMG/AMP sequence variant interpretation guidelines (Richards et al. 2015 PMID: 25741868, with internal and published modifications).